The following is an entry in ClinVar:

ClinVar aggregate classification (germline): Benign. Review status: criteria provided, multiple submitters, no conflicts (2 of 4 stars). 2 submissions from 2 submitters: Benign (2). Last evaluated 2018-06-14.

Allele frequency attached by ClinVar (database versions not stated): 1000 Genomes Project 0.01438; 1000 Genomes Project 30x 0.01593; TOPMed 0.03553.
gnomAD v4.1: 29,204 of 700,502 alleles (4.2%); highest among the groups gnomAD compares: Non-Finnish European, 5.3%; 772 homozygotes.

Submissions (2):

GeneDx
Classification: Benign. Last evaluated: 2018-06-14. Review status: criteria provided, single submitter. Criteria: GeneDx Variant Classification (06012015). Collection method: clinical testing. Allele origin: germline. Affected: yes.
Comment: This variant is considered likely benign or benign based on one or more of the following criteria: it is a conservative change, it occurs at a poorly conserved position in the protein, it is predicted to be benign by multiple in silico algorithms, and/or has population frequency not consistent with disease.

Breakthrough Genomics
Classification: Benign. Review status: criteria provided, single submitter. Criteria: ACMG Guidelines, 2015. Collection method: not provided. Allele origin: germline. Inheritance: Autosomal dominant inheritance. Affected: yes.

NM_022489.4(INF2):c.3041-146C>G

Gene: INF2 (inverted formin 2; plus strand). Cytogenetic location: 14q32.33.
Variant type: single nucleotide variant.
Coding change: c.3041-146C>G on transcript NM_022489.4 (MANE Select); 146 bases into the intron before coding-DNA position 3041, C replaced by G.
Molecular consequence: intron variant.
Genome position (GRCh38, 1-based): chr14:104,714,057, C>G. VCF-style: chr14-104714057-C-G. GRCh37 (hg19) VCF-style: chr14-105180394-C-G.
Other names: c.3041-146C>G (NM_001031714.4).
Identifiers: ClinVar variation 676948 (VCV000676948.2), dbSNP rs118061751, ClinGen allele CA16499748.